The following is an entry in ClinVar:

NM_003848.4(SUCLG2):c.495del (p.Val166fs)

Gene: SUCLG2 (succinate-CoA ligase GDP-forming subunit beta; minus strand). Cytogenetic location: 3p14.1.
Variant type: Deletion.
Coding change: c.495del on transcript NM_003848.4 (MANE Select); coding-DNA position 495, one base deleted (C; older notation c.495delC).
Protein change: p.Val166fs; shifts the reading frame from valine 166.
Molecular consequence: frameshift variant.
Genome position (GRCh38, 1-based): chr3:67,520,557, G deleted on the plus strand (C on the coding strand, the reverse complement: SUCLG2 is on the minus strand); the first of 4 consecutive G bases (chr3:67,520,557-67,520,560); deleting any one gives the same sequence. VCF-style (leftmost placement, unchanged base first): chr3-67520556-CG-C. GRCh37 (hg19) VCF-style: chr3-67570980-CG-C.
Other names: c.495del, p.Val166fs (NM_001177599.2); short protein forms V166fs.
Identifiers: ClinVar variation 1487305 (VCV001487305.6), dbSNP rs2107128454, ClinGen allele CA2573137447.

ClinVar aggregate classification (germline): Uncertain significance (1 of 4 stars; one submission).

Submission:

Labcorp Genetics (formerly Invitae), Labcorp
Classification: Uncertain significance. Last evaluated: 2024-10-25. Review status: criteria provided, single submitter. Criteria: Invitae Variant Classification Sherloc (09022015). Collection method: clinical testing. Allele origin: germline.
Comment: This sequence change creates a premature translational stop signal (p.Val166Cysfs*34) in the SUCLG2 gene. It is expected to result in an absent or disrupted protein product. However, the current clinical and genetic evidence is not sufficient to establish whether loss-of-function variants in SUCLG2 cause disease. This variant is not present in population databases (gnomAD no frequency). This variant has not been reported in the literature in individuals affected with SUCLG2-related conditions. ClinVar contains an entry for this variant (Variation ID: 1487305). In summary, the available evidence is currently insufficient to determine the role of this variant in disease. Therefore, it has been classified as a Variant of Uncertain Significance.